The following is an entry in ClinVar:

NM_014915.3(ANKRD26):c.1928G>A (p.Gly643Asp)

Gene: ANKRD26 (ankyrin repeat domain 26; minus strand). Cytogenetic location: 10p12.1.
Variant type: single nucleotide variant.
Coding change: c.1928G>A on transcript NM_014915.3 (MANE Select); coding-DNA position 1928, G replaced by A.
Protein change: p.Gly643Asp; replaces glycine 643 with aspartic acid.
Molecular consequence: missense variant.
Genome position (GRCh38, 1-based): chr10:27,046,410, C>T on the plus strand (G>A on the coding strand, the complement: ANKRD26 is on the minus strand). VCF-style: chr10-27046410-C-T. GRCh37 (hg19) VCF-style: chr10-27335339-C-T.
Other names: c.1925G>A, p.Gly642Asp (NM_001256053.2); short protein forms G642D, G643D.
Identifiers: ClinVar variation 2716651 (VCV002716651.5), dbSNP rs202187229, ClinGen allele CA5448369.

ClinVar aggregate classification (germline): Uncertain significance. Review status: criteria provided, multiple submitters, no conflicts (2 of 4 stars). 2 submissions from 2 submitters: Uncertain significance (2). Last evaluated 2026-01-05.

Conditions:
Inborn genetic diseases. Identifiers: MedGen C0950123, MeSH D030342.

Allele frequency attached by ClinVar (database versions not stated): gnomAD exomes 0.00001; ExAC 0.00004; gnomAD 0.00005; TOPMed 0.00006; ESP Exome Variant Server 0.00008; 1000 Genomes Project 30x 0.00031; 1000 Genomes Project 0.00040.
gnomAD v4.1: 26 of 1,614,086 alleles (0.0016%); highest among the groups gnomAD compares: African/African-American, 0.023%; 1 homozygote.

Submissions (2):

Labcorp Genetics (formerly Invitae), Labcorp
Classification: Uncertain significance. Last evaluated: 2026-01-05. Review status: criteria provided, single submitter. Criteria: Invitae Variant Classification Sherloc (09022015). Collection method: clinical testing. Allele origin: germline.
Comment: This sequence change replaces glycine, which is neutral and non-polar, with aspartic acid, which is acidic and polar, at codon 643 of the ANKRD26 protein (p.Gly643Asp). This variant is present in population databases (rs202187229, gnomAD 0.03%). This variant has not been reported in the literature in individuals affected with ANKRD26-related conditions. ClinVar contains an entry for this variant (Variation ID: 2716651). An algorithm developed to predict the effect of missense changes on protein structure and function (PolyPhen-2) suggests that this variant is likely to be tolerated. In summary, the available evidence is currently insufficient to determine the role of this variant in disease. Therefore, it has been classified as a Variant of Uncertain Significance.

Ambry Genetics
Classification: Uncertain significance for Inborn genetic diseases. Last evaluated: 2025-08-24. Review status: criteria provided, single submitter. Criteria: Ambry Variant Classification Scheme 2023. Collection method: clinical testing. Allele origin: germline.